The following is an entry in ClinVar:

NM_015100.4(POGZ):c.397C>G (p.Gln133Glu)

Gene: POGZ (pogo transposable element derived with ZNF domain; minus strand). Cytogenetic location: 1q21.3.
Variant type: single nucleotide variant.
Coding change: c.397C>G on transcript NM_015100.4 (MANE Select); coding-DNA position 397, C replaced by G.
Protein change: p.Gln133Glu; replaces glutamine 133 with glutamic acid.
Molecular consequence: missense variant. On other transcripts: intron variant (1).
Genome position (GRCh38, 1-based): chr1:151,430,728, G>C on the plus strand (C>G on the coding strand, the complement: POGZ is on the minus strand). VCF-style: chr1-151430728-G-C. GRCh37 (hg19) VCF-style: chr1-151403204-G-C.
Other names: c.397C>G, p.Gln133Glu (NM_001194937.2); c.238C>G, p.Gln80Glu (NM_001194938.2, NM_207171.2); c.418C>G, p.Gln140Glu (NM_001410860.1); c.284-2315C>G (NM_145796.4); short protein forms Q133E, Q140E, Q80E.
Identifiers: ClinVar variation 2630687 (VCV002630687.2), dbSNP rs2529542291, ClinGen allele CA341982274.
Genomic context (GRCh38, chr1:151,430,728, plus strand): 5'-GCGTAGTGATAAATATTGGTTGTGAGGCCACAGGGGAACTAGTCACATGATTGGCATTCT[G>C]CATGACCTGAACAGGCCTCAATACTGGTTGAGTAACCATTGTGCCCAGACCTGGGGCTGG-3'
Protein context (NP_055915.2, residues 123-143): QPVLRPVQVM[Gln133Glu]NANHVTSSPV

ClinVar aggregate classification (germline): Uncertain significance (1 of 4 stars; one submission).

Conditions:
POGZ-related disorder. Also called: POGZ-related condition.

Submission:

PreventionGenetics, part of Exact Sciences
Classification: Uncertain significance for POGZ-related condition. Last evaluated: 2025-12-18. Review status: criteria provided, single submitter. Criteria: ACMG Guidelines, 2015. Collection method: clinical testing. Allele origin: germline.
Comment: The POGZ c.397C>G variant is predicted to result in the amino acid substitution p.Gln133Glu. To our knowledge, this variant has not been reported in the literature or in a large population database (gnomAD), indicating this variant is rare. At this time, the clinical significance of this variant is uncertain due to the absence of conclusive functional and genetic evidence.